The following is an entry in ClinVar:

NM_004380.3(CREBBP):c.4741G>T (p.Asp1581Tyr)

Gene: CREBBP (CREB binding lysine acetyltransferase; minus strand). Cytogenetic location: 16p13.3.
Variant type: single nucleotide variant.
Coding change: c.4741G>T on transcript NM_004380.3 (MANE Select); coding-DNA position 4741, G replaced by T.
Protein change: p.Asp1581Tyr; replaces aspartic acid 1581 with tyrosine.
Molecular consequence: missense variant.
Genome position (GRCh38, 1-based): chr16:3,731,925, C>A on the plus strand (G>T on the coding strand, the complement: CREBBP is on the minus strand). VCF-style: chr16-3731925-C-A. GRCh37 (hg19) VCF-style: chr16-3781926-C-A.
Other names: c.4627G>T, p.Asp1543Tyr (NM_001079846.1); short protein forms D1543Y, D1581Y.
Identifiers: ClinVar variation 3253580 (VCV003253580.2), dbSNP rs749048317.
Genomic context (GRCh38, chr16:3,731,925, plus strand): 5'-TGATGCTGCTTTTGTTCTTGTTGGTTTTCTTGTTGTTCTTCTTCTTGGCATTCTTGCTGT[C>A]GCCCTGACTGCCCTGCAACAACACGCAAGGCTGTGAGACCAGGCAAGTGCCCCTCCACAC-3'
Protein context (NP_004371.2, residues 1571-1591): ASETTEGSQG[Asp1581Tyr]SKNAKKKNNK

ClinVar aggregate classification (germline): Uncertain significance (1 of 4 stars; one submission).

Submission:

GeneDx
Classification: Uncertain significance. Last evaluated: 2025-10-03. Review status: criteria provided, single submitter. Criteria: GeneDx Variant Classification Process June 2021. Collection method: clinical testing. Allele origin: germline.
Comment: Not observed at significant frequency in large population cohorts (gnomAD); In silico analysis supports that this missense variant has a deleterious effect on protein structure/function; Has not been previously published as pathogenic or benign to our knowledge; This variant is associated with the following publications: (PMID: 12070251)